The following is an entry in ClinVar:

NM_006446.5(SLCO1B1):c.882G>A (p.Leu294=)

Gene: SLCO1B1 (solute carrier organic anion transporter family member 1B1; plus strand). Cytogenetic location: 12p12.1.
Variant type: single nucleotide variant.
Coding change: c.882G>A on transcript NM_006446.5 (MANE Select); coding-DNA position 882, G replaced by A.
Protein change: p.Leu294=; no amino-acid change (leucine 294 retained).
Molecular consequence: synonymous variant.
Genome position (GRCh38, 1-based): chr12:21,197,100, G>A. VCF-style: chr12-21197100-G-A. GRCh37 (hg19) VCF-style: chr12-21350034-G-A.
Other names: c.882G>A (LRG_1022t1).
Identifiers: ClinVar variation 307943 (VCV000307943.21), dbSNP rs11045854, ClinGen allele CA6476854.

ClinVar aggregate classification (germline): Benign. Review status: criteria provided, multiple submitters, no conflicts (2 of 4 stars). 3 submissions from 3 submitters: Benign (3). Last evaluated 2025-01-21.

Conditions:
Rotor syndrome (HBLRR). Also called: HYPERBILIRUBINEMIA, ROTOR TYPE, DIGENIC; HYPERBILIRUBINEMIA, ROTOR TYPE. Identifiers: Orphanet 3111, MedGen C0220991, MONDO:0009379, OMIM 237450.

Allele frequency attached by ClinVar (database versions not stated): gnomAD exomes 0.00288 and 0.00641; ExAC 0.00768; gnomAD 0.00971 and 0.01028; TOPMed 0.01074; ESP Exome Variant Server 0.01115; 1000 Genomes Project 0.01597; 1000 Genomes Project 30x 0.01671.
gnomAD v4.1: 5,832 of 1,613,534 alleles (0.36%); highest among the groups gnomAD compares: South Asian, 3.3%; 148 homozygotes.

Submissions (3):

ARUP Laboratories, Molecular Genetics and Genomics, ARUP Laboratories
Classification: Benign for Rotor syndrome. Last evaluated: 2025-01-21. Review status: criteria provided, single submitter. Criteria: ARUP Molecular Germline Variant Investigation Process 2024. Collection method: clinical testing. Allele origin: germline.

Illumina Laboratory Services, Illumina
Classification: Benign for Rotor syndrome. Last evaluated: 2018-01-13. Review status: criteria provided, single submitter. Criteria: ICSL Variant Classification Criteria 13 December 2019. Collection method: clinical testing. Allele origin: germline.
Comment: This variant was observed in the ICSL laboratory as part of a predisposition screen in an ostensibly healthy population. It had not been previously curated by ICSL or reported in the Human Gene Mutation Database (HGMD: prior to June 1st, 2018), and was therefore a candidate for classification through an automated scoring system. Utilizing variant allele frequency, disease prevalence and penetrance estimates, and inheritance mode, an automated score was calculated to assess if this variant is too frequent to cause the disease. Based on the score and internal cut-off values, a variant classified as benign is not then subjected to further curation. The score for this variant resulted in a classification of benign for this disease.

Breakthrough Genomics
Classification: Benign. Review status: criteria provided, single submitter. Criteria: ACMG Guidelines, 2015. Collection method: not provided. Allele origin: germline. Inheritance: Autosomal recessive inheritance. Affected: yes.